The following is an entry in ClinVar:

ClinVar aggregate classification (germline): Uncertain significance (1 of 4 stars; one submission).

Conditions:
LAMA2-related muscular dystrophy (LAMA2-RD). Also called: Laminin alpha 2-related dystrophy. Identifiers: MedGen C5679788, MONDO:0100228.

Allele frequency attached by ClinVar (database versions not stated): gnomAD exomes below 0.00001.
gnomAD v4.1: 1 of 1,608,054 alleles (0.000062%); highest among the groups gnomAD compares: Non-Finnish European, 0.000085%; no homozygotes.

Submission:

Labcorp Genetics (formerly Invitae), Labcorp
Classification: Uncertain significance for LAMA2-related muscular dystrophy. Last evaluated: 2022-07-26. Review status: criteria provided, single submitter. Criteria: Invitae Variant Classification Sherloc (09022015). Collection method: clinical testing. Allele origin: germline.
Comment: This sequence change replaces isoleucine, which is neutral and non-polar, with valine, which is neutral and non-polar, at codon 1336 of the LAMA2 protein (p.Ile1336Val). This variant is not present in population databases (gnomAD no frequency). This variant has not been reported in the literature in individuals affected with LAMA2-related conditions. ClinVar contains an entry for this variant (Variation ID: 654330). Advanced modeling of protein sequence and biophysical properties (such as structural, functional, and spatial information, amino acid conservation, physicochemical variation, residue mobility, and thermodynamic stability) performed at Invitae indicates that this missense variant is not expected to disrupt LAMA2 protein function. In summary, the available evidence is currently insufficient to determine the role of this variant in disease. Therefore, it has been classified as a Variant of Uncertain Significance.

NM_000426.4(LAMA2):c.4006A>G (p.Ile1336Val)

Gene: LAMA2 (laminin subunit alpha 2; plus strand). Cytogenetic location: 6q22.33.
Variant type: single nucleotide variant.
Coding change: c.4006A>G on transcript NM_000426.4 (MANE Select); coding-DNA position 4006, A replaced by G.
Protein change: p.Ile1336Val; replaces isoleucine 1336 with valine.
Molecular consequence: missense variant.
Genome position (GRCh38, 1-based): chr6:129,316,119, A>G. VCF-style: chr6-129316119-A-G. GRCh37 (hg19) VCF-style: chr6-129637264-A-G.
Other names: c.4006A>G, p.Ile1336Val (NM_001079823.2); short protein forms I1336V.
Identifiers: ClinVar variation 654330 (VCV000654330.8), dbSNP rs1583477947, ClinGen allele CA365613764.